The following is an entry in ClinVar:

ClinVar aggregate classification (germline): Benign/Likely benign. Review status: criteria provided, multiple submitters, no conflicts (2 of 4 stars). 7 submissions from 7 submitters: Benign (1); Likely benign (6). Last evaluated 2025-12-31.

Conditions:
RASopathy. Also called: Noonan spectrum disorder; rasopathies. Identifiers: Orphanet 536391, MedGen C5555857, MONDO:0021060.
Cardiovascular phenotype. Identifiers: MedGen CN230736.
MAP2K2-related disorder. Also called: MAP2K2-related condition.

Allele frequency attached by ClinVar (database versions not stated): TOPMed 0.00006; ExAC 0.00007; gnomAD exomes 0.00007 and 0.00006; gnomAD 0.00004 and 0.00005; ESP Exome Variant Server 0.00008.
gnomAD v4.1: 91 of 1,600,698 alleles (0.0057%); highest among the groups gnomAD compares: African/African-American, 0.016%; no homozygotes.

Submissions (7):

Labcorp Genetics (formerly Invitae), Labcorp
Classification: Likely benign for RASopathy. Last evaluated: 2025-12-31. Review status: criteria provided, single submitter. Criteria: Invitae Variant Classification Sherloc (09022015). Collection method: clinical testing. Allele origin: germline.

PreventionGenetics, part of Exact Sciences
Classification: Likely benign for MAP2K2-related condition. Last evaluated: 2025-07-24. Review status: criteria provided, single submitter. Criteria: ACMG Guidelines, 2015. Collection method: clinical testing. Allele origin: germline.
Comment: This variant is classified as likely benign based on ACMG/AMP sequence variant interpretation guidelines (Richards et al. 2015 PMID: 25741868, with internal and published modifications).

Blueprint Genetics
Classification: Likely benign. Last evaluated: 2024-08-01. Review status: criteria provided, single submitter. Criteria: ACMG Guidelines, 2015. Collection method: clinical testing. Allele origin: germline.

CeGaT Center for Human Genetics Tuebingen
Classification: Likely benign. Last evaluated: 2024-01-01. Review status: criteria provided, single submitter. Criteria: CeGaT Center For Human Genetics Tuebingen Variant Classification Criteria Version 2. Collection method: clinical testing. Allele origin: germline. Affected: yes. Observed: 1 variant allele.
Comment: MAP2K2: BP4, BP7

Ambry Genetics
Classification: Likely benign for Cardiovascular phenotype. Last evaluated: 2023-03-31. Review status: criteria provided, single submitter. Criteria: Ambry Variant Classification Scheme 2023. Collection method: clinical testing. Allele origin: germline.

Women's Health and Genetics/Laboratory Corporation of America, LabCorp
Classification: Benign. Last evaluated: 2023-03-27. Review status: criteria provided, single submitter. Criteria: LabCorp Variant Classification Summary - May 2015. Collection method: clinical testing. Allele origin: germline.

GeneDx
Classification: Likely benign. Last evaluated: 2017-09-15. Review status: criteria provided, single submitter. Criteria: GeneDx Variant Classification (06012015). Collection method: clinical testing. Allele origin: germline. Affected: yes.
Comment: This variant is considered likely benign or benign based on one or more of the following criteria: it is a conservative change, it occurs at a poorly conserved position in the protein, it is predicted to be benign by multiple in silico algorithms, and/or has population frequency not consistent with disease.

NM_030662.4(MAP2K2):c.456C>T (p.Gly152=)

Gene: MAP2K2 (mitogen-activated protein kinase kinase 2; minus strand). Cytogenetic location: 19p13.3.
Variant type: single nucleotide variant.
Coding change: c.456C>T on transcript NM_030662.4 (MANE Select); coding-DNA position 456, C replaced by T.
Protein change: p.Gly152=; no amino-acid change (glycine 152 retained).
Molecular consequence: synonymous variant.
Genome position (GRCh38, 1-based): chr19:4,102,448, G>A on the plus strand (C>T on the coding strand, the complement: MAP2K2 is on the minus strand). VCF-style: chr19-4102448-G-A. GRCh37 (hg19) VCF-style: chr19-4102446-G-A.
Identifiers: ClinVar variation 512068 (VCV000512068.35), dbSNP rs143106439, ClinGen allele CA9090961.